The following is an entry in ClinVar:

NM_001384140.1(PCDH15):c.200G>A (p.Gly67Glu)

Gene: PCDH15 (protocadherin related 15; minus strand). Cytogenetic location: 10q21.1.
Variant type: single nucleotide variant.
Coding change: c.200G>A on transcript NM_001384140.1 (MANE Select); coding-DNA position 200, G replaced by A.
Protein change: p.Gly67Glu; replaces glycine 67 with glutamic acid.
Molecular consequence: missense variant.
Genome position (GRCh38, 1-based): chr10:54,378,900, C>T on the plus strand (G>A on the coding strand, the complement: PCDH15 is on the minus strand). VCF-style: chr10-54378900-C-T. GRCh37 (hg19) VCF-style: chr10-56138660-C-T.
Other names: p.Gly67Glu; c.200G>A (NM_033056.3); c.200G>A, p.Gly67Glu (NM_001354411.2, NM_001354420.2, NM_001354429.2 and 8 more transcripts); c.215G>A, p.Gly72Glu (NM_001142763.2, NM_001142769.4, NM_001142771.2); c.134G>A, p.Gly45Glu (NM_001142768.2, NM_001142773.2, NM_001354404.2); short protein forms G45E, G67E, G72E.
Identifiers: ClinVar variation 1005367 (VCV001005367.9), dbSNP rs930665715, ClinGen allele CA207588273.
Genomic context (GRCh38, chr10:54,378,900, plus strand): 5'-ATCAACACCCAGTAATCCACATTATCCTTTAAAGAAAGTTCTATGGTGGGGTCTGGTCCT[C>T]CAGCAGTCCCTTTGATCAGCATGTTGTCCACCAGAATTGTACCTGCAAACCAAAGAAAGG-3'
Protein context (NP_001371069.1, residues 57-77): VDNMLIKGTA[Gly67Glu]GPDPTIELSL

ClinVar aggregate classification (germline): Uncertain significance. Review status: criteria provided, multiple submitters, no conflicts (2 of 4 stars). 5 submissions from 5 submitters: Uncertain significance (4). 1 of the submissions does not count toward it. Last evaluated 2024-10-16.

Conditions:
Usher syndrome type 1F (USH1F). Also called: USHER SYNDROME, TYPE IF. Identifiers: Orphanet 231169, Orphanet 886, MedGen C1865885, MONDO:0011186, OMIM 602083.
Inborn genetic diseases. Identifiers: MedGen C0950123, MeSH D030342.

Allele frequency attached by ClinVar (database versions not stated): gnomAD 0.00003 and 0.00006; TOPMed 0.00005.
gnomAD v4.1: 21 of 1,613,650 alleles (0.0013%); highest among the groups gnomAD compares: Non-Finnish European, 0.0014%; no homozygotes.

Submissions (5):

Labcorp Genetics (formerly Invitae), Labcorp
Classification: Uncertain significance. Last evaluated: 2024-10-16. Review status: criteria provided, single submitter. Criteria: Invitae Variant Classification Sherloc (09022015). Collection method: clinical testing. Allele origin: germline.
Comment: This sequence change replaces glycine, which is neutral and non-polar, with glutamic acid, which is acidic and polar, at codon 67 of the PCDH15 protein (p.Gly67Glu). This variant is not present in population databases (gnomAD no frequency). This variant has not been reported in the literature in individuals affected with PCDH15-related conditions. ClinVar contains an entry for this variant (Variation ID: 1005367). Invitae Evidence Modeling of protein sequence and biophysical properties (such as structural, functional, and spatial information, amino acid conservation, physicochemical variation, residue mobility, and thermodynamic stability) indicates that this missense variant is not expected to disrupt PCDH15 protein function with a negative predictive value of 95%. In summary, the available evidence is currently insufficient to determine the role of this variant in disease. Therefore, it has been classified as a Variant of Uncertain Significance.

Ambry Genetics
Classification: Uncertain significance for Inborn genetic diseases. Last evaluated: 2024-05-26. Review status: criteria provided, single submitter. Criteria: Ambry Variant Classification Scheme 2023. Collection method: clinical testing. Allele origin: germline.

Blueprint Genetics
Classification: Uncertain significance. Last evaluated: 2022-09-08. Review status: criteria provided, single submitter. Criteria: ACMG Guidelines, 2015. Collection method: clinical testing. Allele origin: germline.

Mayo Clinic Laboratories, Mayo Clinic
Classification: Uncertain significance. Last evaluated: 2021-07-30. Review status: criteria provided, single submitter. Criteria: ACMG Guidelines, 2015. Collection method: clinical testing. Allele origin: germline. Observed: 1 variant allele.
Comment: PM2

Natera, Inc.
Classification: Uncertain significance for Usher syndrome type 1F. Last evaluated: 2020-06-26. Review status: no assertion criteria provided. Collection method: clinical testing. Allele origin: germline. Not counted in ClinVar's aggregate classification.